The following is an entry in ClinVar:

ClinVar aggregate classification (germline): Conflicting classifications of pathogenicity. Review status: criteria provided, conflicting classifications (1 of 4 stars). 6 submissions from 6 submitters: Likely pathogenic (1); Uncertain significance (5). Last evaluated 2024-10-12.

Conditions:
Combined immunodeficiency due to LRBA deficiency. Also called: Common variable immunodeficiency 8, with autoimmunity. Identifiers: Orphanet 445018, MedGen C3553512, MONDO:0013863, OMIM 614700.
Inborn genetic diseases. Identifiers: MedGen C0950123, MeSH D030342.

Allele frequency attached by ClinVar (database versions not stated): gnomAD exomes 0.00006; ExAC 0.00007; gnomAD 0.00009; TOPMed 0.00013.
gnomAD v4.1: 104 of 1,608,410 alleles (0.0065%); highest among the groups gnomAD compares: Middle Eastern, 0.099%; no homozygotes.

Submissions (6):

Labcorp Genetics (formerly Invitae), Labcorp
Classification: Uncertain significance for Combined immunodeficiency due to LRBA deficiency. Last evaluated: 2024-10-12. Review status: criteria provided, single submitter. Criteria: Invitae Variant Classification Sherloc (09022015). Collection method: clinical testing. Allele origin: germline.
Comment: This sequence change replaces tryptophan, which is neutral and slightly polar, with arginine, which is basic and polar, at codon 2638 of the LRBA protein (p.Trp2638Arg). This variant is present in population databases (rs200295901, gnomAD 0.01%). This variant has not been reported in the literature in individuals affected with LRBA-related conditions. ClinVar contains an entry for this variant (Variation ID: 802091). Invitae Evidence Modeling of protein sequence and biophysical properties (such as structural, functional, and spatial information, amino acid conservation, physicochemical variation, residue mobility, and thermodynamic stability) indicates that this missense variant is not expected to disrupt LRBA protein function with a negative predictive value of 80%. In summary, the available evidence is currently insufficient to determine the role of this variant in disease. Therefore, it has been classified as a Variant of Uncertain Significance.

Blueprint Genetics
Classification: Uncertain significance. Last evaluated: 2024-09-12. Review status: criteria provided, single submitter. Criteria: ACMG Guidelines, 2015. Collection method: clinical testing. Allele origin: germline.

Ambry Genetics
Classification: Uncertain significance for Inborn genetic diseases. Last evaluated: 2024-02-12. Review status: criteria provided, single submitter. Criteria: Ambry Variant Classification Scheme 2023. Collection method: clinical testing. Allele origin: germline.

Department of Pathology and Laboratory Medicine, Sinai Health System
Classification: Uncertain significance for Combined immunodeficiency due to LRBA deficiency. Last evaluated: 2022-10-31. Review status: criteria provided, single submitter. Criteria: ACMG Guidelines, 2015. Collection method: research. Allele origin: germline.

GeneDx
Classification: Uncertain significance. Last evaluated: 2022-10-06. Review status: criteria provided, single submitter. Criteria: GeneDx Variant Classification Process June 2021. Collection method: clinical testing. Allele origin: germline. Affected: yes.
Comment: In silico analysis supports that this missense variant has a deleterious effect on protein structure/function; Has not been previously published as pathogenic or benign to our knowledge

Mendelics
Classification: Likely pathogenic for Combined immunodeficiency due to LRBA deficiency. Last evaluated: 2019-05-28. Review status: criteria provided, single submitter. Criteria: Mendelics Assertion Criteria 2017. Collection method: clinical testing. Allele origin: unknown.

NM_001364905.1(LRBA):c.7879T>C (p.Trp2627Arg)

Gene: LRBA (LPS responsive beige-like anchor protein; minus strand). Cytogenetic location: 4q31.3.
Variant type: single nucleotide variant.
Coding change: c.7879T>C on transcript NM_001364905.1 (MANE Select); coding-DNA position 7879, T replaced by C.
Protein change: p.Trp2627Arg; replaces tryptophan 2627 with arginine.
Molecular consequence: missense variant.
Genome position (GRCh38, 1-based): chr4:150,302,763, A>G on the plus strand (T>C on the coding strand, the complement: LRBA is on the minus strand). VCF-style: chr4-150302763-A-G. GRCh37 (hg19) VCF-style: chr4-151223915-A-G.
Other names: c.7894T>C, p.Trp2632Arg (NM_001367550.1); c.7912T>C, p.Trp2638Arg (NM_006726.5); c.7879T>C, p.Trp2627Arg (NM_001199282.3); short protein forms W2632R, W2627R, W2638R.
Identifiers: ClinVar variation 802091 (VCV000802091.11), dbSNP rs200295901, ClinGen allele CA3101497.